The following is an entry in ClinVar:

ClinVar aggregate classification (germline): Uncertain significance (1 of 4 stars; one submission).

gnomAD v4.1: 3 of 1,613,476 alleles (0.00019%); highest among the groups gnomAD compares: Non-Finnish European, 0.00017%; no homozygotes.

Submission:

Ambry Genetics
Classification: Uncertain significance. Last evaluated: 2024-10-25. Review status: criteria provided, single submitter. Criteria: Ambry Variant Classification Scheme 2023. Collection method: clinical testing. Allele origin: germline.
Comment: The p.T2079A variant (also known as c.6235A>G), located in coding exon 10 of the ALPK2 gene, results from an A to G substitution at nucleotide position 6235. The threonine at codon 2079 is replaced by alanine, an amino acid with similar properties. This amino acid position is conserved. In addition, this alteration is predicted to be tolerated by in silico analysis. Based on the available evidence, the clinical significance of this variant remains unclear.

NM_052947.4(ALPK2):c.6235A>G (p.Thr2079Ala)

Gene: ALPK2 (alpha kinase 2; minus strand). Cytogenetic location: 18q21.31.
Variant type: single nucleotide variant.
Coding change: c.6235A>G on transcript NM_052947.4 (MANE Select); coding-DNA position 6235, A replaced by G.
Protein change: p.Thr2079Ala; replaces threonine 2079 with alanine.
Molecular consequence: missense variant.
Genome position (GRCh38, 1-based): chr18:58,503,943, T>C on the plus strand (A>G on the coding strand, the complement: ALPK2 is on the minus strand). VCF-style: chr18-58503943-T-C. GRCh37 (hg19) VCF-style: chr18-56171175-T-C.
Other names: short protein forms T2079A.
Identifiers: ClinVar variation 3531865 (VCV003531865.1).